The following is an entry in ClinVar:

NM_001567.4(INPPL1):c.3485A>G (p.Tyr1162Cys)

Gene: INPPL1 (inositol polyphosphate phosphatase like 1; plus strand). Cytogenetic location: 11q13.4.
Variant type: single nucleotide variant.
Coding change: c.3485A>G on transcript NM_001567.4 (MANE Select); coding-DNA position 3485, A replaced by G.
Protein change: p.Tyr1162Cys; replaces tyrosine 1162 with cysteine.
Molecular consequence: missense variant.
Genome position (GRCh38, 1-based): chr11:72,237,729, A>G. VCF-style: chr11-72237729-A-G. GRCh37 (hg19) VCF-style: chr11-71948773-A-G.
Other names: short protein forms Y1162C.
Identifiers: ClinVar variation 1423939 (VCV001423939.6), dbSNP rs757808454, ClinGen allele CA6170653.

ClinVar aggregate classification (germline): Uncertain significance (1 of 4 stars; one submission).

Allele frequency attached by ClinVar (database versions not stated): gnomAD exomes below 0.00001 and 0.00001; ExAC 0.00001.
gnomAD v4.1: 4 of 1,611,760 alleles (0.00025%); highest among the groups gnomAD compares: Admixed American, 0.005%; no homozygotes.

Submission:

Labcorp Genetics (formerly Invitae), Labcorp
Classification: Uncertain significance. Last evaluated: 2021-08-19. Review status: criteria provided, single submitter. Criteria: Invitae Variant Classification Sherloc (09022015). Collection method: clinical testing. Allele origin: germline.
Comment: This sequence change replaces tyrosine with cysteine at codon 1162 of the INPPL1 protein (p.Tyr1162Cys). The tyrosine residue is moderately conserved and there is a large physicochemical difference between tyrosine and cysteine. The frequency data for this variant in the population databases is considered unreliable, as metrics indicate poor data quality at this position in the ExAC database. This variant has not been reported in the literature in individuals affected with INPPL1-related conditions. Algorithms developed to predict the effect of missense changes on protein structure and function are either unavailable or do not agree on the potential impact of this missense change (SIFT: "Deleterious"; PolyPhen-2: "Possibly Damaging"; Align-GVGD: "Class C0"). In summary, the available evidence is currently insufficient to determine the role of this variant in disease. Therefore, it has been classified as a Variant of Uncertain Significance.